The following is an entry in ClinVar:

NM_004818.3(DDX23):c.47C>A (p.Ser16Tyr)

Gene: DDX23 (DEAD-box helicase 23; minus strand). Cytogenetic location: 12q13.12.
Variant type: single nucleotide variant.
Coding change: c.47C>A on transcript NM_004818.3 (MANE Select); coding-DNA position 47, C replaced by A.
Protein change: p.Ser16Tyr; replaces serine 16 with tyrosine.
Molecular consequence: missense variant.
Genome position (GRCh38, 1-based): chr12:48,845,736, G>T on the plus strand (C>A on the coding strand, the complement: DDX23 is on the minus strand). VCF-style: chr12-48845736-G-T. GRCh37 (hg19) VCF-style: chr12-49239519-G-T.
Other names: short protein forms S16Y.
Identifiers: ClinVar variation 4082871 (VCV004082871.1).

ClinVar aggregate classification (germline): Uncertain significance (1 of 4 stars; one submission).

Submission:

GeneDx
Classification: Uncertain significance. Last evaluated: 2025-03-05. Review status: criteria provided, single submitter. Criteria: GeneDx Variant Classification Process June 2021. Collection method: clinical testing. Allele origin: germline. Affected: yes.
Comment: Not observed at significant frequency in large population cohorts (gnomAD); In silico analysis supports that this missense variant has a deleterious effect on protein structure/function; Has not been previously published as pathogenic or benign to our knowledge